The following is an entry in ClinVar:

NM_006121.4(KRT1):c.7C>T (p.Arg3Ter)

Gene: KRT1 (keratin 1; minus strand). Cytogenetic location: 12q13.13.
Variant type: single nucleotide variant.
Coding change: c.7C>T on transcript NM_006121.4 (MANE Select); coding-DNA position 7, C replaced by T.
Protein change: p.Arg3Ter; replaces arginine 3 with a stop codon.
Molecular consequence: nonsense.
Genome position (GRCh38, 1-based): chr12:52,680,342, G>A on the plus strand (C>T on the coding strand, the complement: KRT1 is on the minus strand). VCF-style: chr12-52680342-G-A. GRCh37 (hg19) VCF-style: chr12-53074126-G-A.
Other names: short protein forms R3*.
Identifiers: ClinVar variation 4701066 (VCV004701066.1).

ClinVar aggregate classification (germline): Uncertain significance (1 of 4 stars; one submission).

gnomAD v4.1: 3 of 1,613,692 alleles (0.00019%); highest among the groups gnomAD compares: Non-Finnish European, 0.00025%; no homozygotes.

Submission:

Labcorp Genetics (formerly Invitae), Labcorp
Classification: Uncertain significance. Last evaluated: 2025-10-14. Review status: criteria provided, single submitter. Criteria: Invitae Variant Classification Sherloc (09022015). Collection method: clinical testing. Allele origin: germline.
Comment: This sequence change creates a premature translational stop signal (p.Arg3*) in the KRT1 gene. It is expected to result in an absent or disrupted protein product. However, the current clinical and genetic evidence is not sufficient to establish whether loss-of-function variants in KRT1 cause disease. This variant is not present in population databases (gnomAD no frequency). This variant has not been reported in the literature in individuals affected with KRT1-related conditions. In summary, the available evidence is currently insufficient to determine the role of this variant in disease. Therefore, it has been classified as a Variant of Uncertain Significance.